The following is an entry in ClinVar:

NM_182961.4(SYNE1):c.3883C>G (p.Gln1295Glu)

Gene: SYNE1 (spectrin repeat containing nuclear envelope protein 1; minus strand). Cytogenetic location: 6q25.2.
Variant type: single nucleotide variant.
Coding change: c.3883C>G on transcript NM_182961.4 (MANE Select); coding-DNA position 3883, C replaced by G.
Protein change: p.Gln1295Glu; replaces glutamine 1295 with glutamic acid.
Molecular consequence: missense variant.
Genome position (GRCh38, 1-based): chr6:152,442,200, G>C on the plus strand (C>G on the coding strand, the complement: SYNE1 is on the minus strand). VCF-style: chr6-152442200-G-C. GRCh37 (hg19) VCF-style: chr6-152763335-G-C.
Other names: c.3904C>G, p.Gln1302Glu (NM_033071.5); short protein forms Q1302E, Q1295E.
Identifiers: ClinVar variation 1391569 (VCV001391569.6), dbSNP rs750865008, ClinGen allele CA366147026.

ClinVar aggregate classification (germline): Uncertain significance (1 of 4 stars; one submission).

Conditions:
Emery-Dreifuss muscular dystrophy 4, autosomal dominant (EDMD4). Also called: EMERY-DREIFUSS MUSCULAR DYSTROPHY 4 WITH VARIABLE FEATURES. Identifiers: Orphanet 261, MedGen C2751807, MONDO:0013071, OMIM 612998.
Autosomal recessive ataxia, Beauce type. Also called: SYNE1-Related Autosomal Recessive Cerebellar Ataxia; Spinocerebellar ataxia, autosomal recessive 8; ATAXIA, RECESSIVE, OF BEAUCE; SYNE1 Deficiency. Identifiers: Orphanet 88644, MedGen C1853116, MONDO:0012549, OMIM 610743.

Allele frequency attached by ClinVar (database versions not stated): TOPMed below 0.00001; gnomAD 0.00001.
gnomAD v4.1: 4 of 1,613,448 alleles (0.00025%); highest among the groups gnomAD compares: Non-Finnish European, 0.00034%; no homozygotes.

Submission:

Labcorp Genetics (formerly Invitae), Labcorp
Classification: Uncertain significance for Emery-Dreifuss muscular dystrophy 4, autosomal dominant; Autosomal recessive ataxia, Beauce type. Last evaluated: 2021-08-02. Review status: criteria provided, single submitter. Criteria: Invitae Variant Classification Sherloc (09022015). Collection method: clinical testing. Allele origin: germline.
Comment: In summary, the available evidence is currently insufficient to determine the role of this variant in disease. Therefore, it has been classified as a Variant of Uncertain Significance. Algorithms developed to predict the effect of missense changes on protein structure and function are either unavailable or do not agree on the potential impact of this missense change (SIFT: "Deleterious"; PolyPhen-2: "Probably Damaging"; Align-GVGD: "Class C0"). This variant has not been reported in the literature in individuals affected with SYNE1-related conditions. This variant is not present in population databases (ExAC no frequency). This sequence change replaces glutamine with glutamic acid at codon 1302 of the SYNE1 protein (p.Gln1302Glu). The glutamine residue is highly conserved and there is a small physicochemical difference between glutamine and glutamic acid.